The following is an entry in ClinVar:

ClinVar aggregate classification (germline): Benign (1 of 4 stars; one submission).

Conditions:
Charcot-Marie-Tooth disease dominant intermediate C (CMTDIC). Also called: CHARCOT-MARIE-TOOTH NEUROPATHY, DOMINANT INTERMEDIATE C. Identifiers: Orphanet 100045, MedGen C1842237, MONDO:0012012, OMIM 608323.

Allele frequency attached by ClinVar (database versions not stated): gnomAD exomes below 0.00001 and 0.00002; TOPMed 0.00001; ExAC 0.00002.
gnomAD v4.1: 6 of 1,613,978 alleles (0.00037%); highest among the groups gnomAD compares: East Asian, 0.0067%; no homozygotes.

Submission:

Illumina Laboratory Services, Illumina
Classification: Benign for Charcot-Marie-Tooth disease dominant intermediate C. Last evaluated: 2018-01-13. Review status: criteria provided, single submitter. Criteria: ICSL Variant Classification Criteria 13 December 2019. Collection method: clinical testing. Allele origin: germline.
Comment: This variant was observed in the ICSL laboratory as part of a predisposition screen in an ostensibly healthy population. It had not been previously curated by ICSL or reported in the Human Gene Mutation Database (HGMD: prior to June 1st, 2018), and was therefore a candidate for classification through an automated scoring system. Utilizing variant allele frequency, disease prevalence and penetrance estimates, and inheritance mode, an automated score was calculated to assess if this variant is too frequent to cause the disease. Based on the score and internal cut-off values, a variant classified as benign is not then subjected to further curation. The score for this variant resulted in a classification of benign for this disease.

NM_003680.4(YARS1):c.415G>A (p.Val139Met)

Gene: YARS1 (tyrosyl-tRNA synthetase 1; minus strand). Cytogenetic location: 1p35.1.
Variant type: single nucleotide variant.
Coding change: c.415G>A on transcript NM_003680.4 (MANE Select); coding-DNA position 415, G replaced by A.
Protein change: p.Val139Met; replaces valine 139 with methionine.
Molecular consequence: missense variant.
Genome position (GRCh38, 1-based): chr1:32,806,577, C>T on the plus strand (G>A on the coding strand, the complement: YARS1 is on the minus strand). VCF-style: chr1-32806577-C-T. GRCh37 (hg19) VCF-style: chr1-33272178-C-T.
Other names: short protein forms V139M.
Identifiers: ClinVar variation 297159 (VCV000297159.5), dbSNP rs772729857, ClinGen allele CA745203.